The following is an entry in ClinVar:

NM_001142800.2(EYS):c.2576C>T (p.Pro859Leu)

Gene: EYS (eyes shut homolog; minus strand). Cytogenetic location: 6q12.
Variant type: single nucleotide variant.
Coding change: c.2576C>T on transcript NM_001142800.2 (MANE Select); coding-DNA position 2576, C replaced by T.
Protein change: p.Pro859Leu; replaces proline 859 with leucine.
Molecular consequence: missense variant.
Genome position (GRCh38, 1-based): chr6:64,912,549, G>A on the plus strand (C>T on the coding strand, the complement: EYS is on the minus strand). VCF-style: chr6-64912549-G-A. GRCh37 (hg19) VCF-style: chr6-65622442-G-A.
Other names: c.2576C>T, p.Pro859Leu (NM_001292009.2); short protein forms P859L.
Identifiers: ClinVar variation 1924156 (VCV001924156.2), dbSNP rs1214166572, ClinGen allele CA364786207.

ClinVar aggregate classification (germline): Uncertain significance (1 of 4 stars; one submission).

Allele frequency attached by ClinVar (database versions not stated): gnomAD exomes below 0.00001.
gnomAD v4.1: 4 of 1,551,278 alleles (0.00026%); highest among the groups gnomAD compares: Non-Finnish European, 0.00026%; no homozygotes.

Submission:

Labcorp Genetics (formerly Invitae), Labcorp
Classification: Uncertain significance. Last evaluated: 2021-10-20. Review status: criteria provided, single submitter. Criteria: Invitae Variant Classification Sherloc (09022015). Collection method: clinical testing. Allele origin: germline.
Comment: This sequence change replaces proline with leucine at codon 859 of the EYS protein (p.Pro859Leu). The proline residue is highly conserved and there is a moderate physicochemical difference between proline and leucine. This variant is not present in population databases (ExAC no frequency). This variant has not been reported in the literature in individuals with EYS-related conditions. Algorithms developed to predict the effect of missense changes on protein structure and function output the following: SIFT: "Deleterious"; PolyPhen-2: "Probably Damaging"; Align-GVGD: "Class C0". The leucine amino acid residue is found in multiple mammalian species, suggesting that this missense change does not adversely affect protein function. These predictions have not been confirmed by published functional studies and their clinical significance is uncertain. In summary, the available evidence is currently insufficient to determine the role of this variant in disease. Therefore, it has been classified as a Variant of Uncertain Significance.